The following is an entry in ClinVar:

ClinVar aggregate classification (germline): Uncertain significance. Review status: criteria provided, multiple submitters, no conflicts (2 of 4 stars). 5 submissions from 4 submitters: Uncertain significance (5). Last evaluated 2023-11-04.

Conditions:
Usher syndrome type 2A. Also called: USHER SYNDROME, TYPE IIA; RETINAL DISEASE IN USHER SYNDROME TYPE IIA, MODIFIER OF. Identifiers: Orphanet 231178, Orphanet 886, MedGen C1848634, MONDO:0010169, OMIM 276901.
Retinitis pigmentosa 39 (RP39). Identifiers: Orphanet 791, MedGen C3151138, MONDO:0013436, OMIM 613809.

Allele frequency attached by ClinVar (database versions not stated): gnomAD exomes below 0.00001; gnomAD 0.00001; TOPMed 0.00001.
gnomAD v4.1: 7 of 1,614,100 alleles (0.00043%); highest among the groups gnomAD compares: African/African-American, 0.0067%; no homozygotes.

Submissions (5):

Genome-Nilou Lab
Classification: Uncertain significance for Retinitis pigmentosa 39. Last evaluated: 2023-11-04. Review status: criteria provided, single submitter. Criteria: ACMG Guidelines, 2015. Collection method: clinical testing. Allele origin: germline. Affected: no.

Genome-Nilou Lab
Classification: Uncertain significance for Usher syndrome type 2A. Last evaluated: 2023-11-04. Review status: criteria provided, single submitter. Criteria: ACMG Guidelines, 2015. Collection method: clinical testing. Allele origin: germline. Affected: no.

GeneDx
Classification: Uncertain significance. Last evaluated: 2023-09-10. Review status: criteria provided, single submitter. Criteria: GeneDx Variant Classification Process June 2021. Collection method: clinical testing. Allele origin: germline.
Comment: Not observed at a significant frequency in large population cohorts (gnomAD); In silico analysis supports that this missense variant does not alter protein structure/function; Has not been previously published as pathogenic or benign to our knowledge

Labcorp Genetics (formerly Invitae), Labcorp
Classification: Uncertain significance. Last evaluated: 2022-10-25. Review status: criteria provided, single submitter. Criteria: Invitae Variant Classification Sherloc (09022015). Collection method: clinical testing. Allele origin: germline.
Comment: This sequence change replaces phenylalanine, which is neutral and non-polar, with leucine, which is neutral and non-polar, at codon 5058 of the USH2A protein (p.Phe5058Leu). This variant is present in population databases (no rsID available, gnomAD 0.007%). This variant has not been reported in the literature in individuals affected with USH2A-related conditions. Advanced modeling of protein sequence and biophysical properties (such as structural, functional, and spatial information, amino acid conservation, physicochemical variation, residue mobility, and thermodynamic stability) performed at Invitae indicates that this missense variant is not expected to disrupt USH2A protein function. In summary, the available evidence is currently insufficient to determine the role of this variant in disease. Therefore, it has been classified as a Variant of Uncertain Significance.

Blueprint Genetics
Classification: Uncertain significance. Last evaluated: 2019-11-14. Review status: criteria provided, single submitter. Criteria: ACMG Guidelines, 2015. Collection method: clinical testing. Allele origin: germline.

NM_206933.4(USH2A):c.15172T>C (p.Phe5058Leu)

Gene: USH2A (usherin; minus strand). Cytogenetic location: 1q41.
Variant type: single nucleotide variant.
Coding change: c.15172T>C on transcript NM_206933.4 (MANE Select); coding-DNA position 15172, T replaced by C.
Protein change: p.Phe5058Leu; replaces phenylalanine 5058 with leucine.
Molecular consequence: missense variant.
Genome position (GRCh38, 1-based): chr1:215,634,584, A>G on the plus strand (T>C on the coding strand, the complement: USH2A is on the minus strand). VCF-style: chr1-215634584-A-G. GRCh37 (hg19) VCF-style: chr1-215807926-A-G.
Other names: short protein forms F5058L.
Identifiers: ClinVar variation 1800774 (VCV001800774.6), dbSNP rs1372150381, ClinGen allele CA344823984.